The following is an entry in ClinVar:

NM_000051.4(ATM):c.5381T>G (p.Leu1794Arg)

Gene: ATM (ATM serine/threonine kinase; plus strand). Cytogenetic location: 11q22.3.
Variant type: single nucleotide variant.
Coding change: c.5381T>G on transcript NM_000051.4 (MANE Select); coding-DNA position 5381, T replaced by G.
Protein change: p.Leu1794Arg; replaces leucine 1794 with arginine.
Molecular consequence: missense variant.
Genome position (GRCh38, 1-based): chr11:108,302,914, T>G. VCF-style: chr11-108302914-T-G. GRCh37 (hg19) VCF-style: chr11-108173641-T-G.
Other names: c.5381T>G, p.Leu1794Arg (NM_001351834.2); short protein forms L1794R.
Identifiers: ClinVar variation 2863083 (VCV002863083.3), dbSNP rs2546979505, ClinGen allele CA382543541.

ClinVar aggregate classification (germline): Uncertain significance (1 of 4 stars; one submission).

Conditions:
Ataxia-telangiectasia syndrome (AT). Also called: AT, COMPLEMENTATION GROUP C; Ataxia telangiectasia (A-T); ATAXIA-TELANGIECTASIA, COMPLEMENTATION GROUP A; ATAXIA-TELANGIECTASIA, FRESNO VARIANT; Ataxia-telangiectasia, complementation group D; Ataxia-telangiectasia, complementation group E. Identifiers: Orphanet 100, MedGen C0004135, MONDO:0008840, OMIM 208900.

Submission:

Labcorp Genetics (formerly Invitae), Labcorp
Classification: Uncertain significance for Ataxia-telangiectasia syndrome. Last evaluated: 2023-05-16. Review status: criteria provided, single submitter. Criteria: Invitae Variant Classification Sherloc (09022015). Collection method: clinical testing. Allele origin: germline.
Comment: In summary, the available evidence is currently insufficient to determine the role of this variant in disease. Therefore, it has been classified as a Variant of Uncertain Significance. An algorithm developed to predict the effect of missense changes on protein structure and function (PolyPhen-2) suggests that this variant is likely to be disruptive. This variant has not been reported in the literature in individuals affected with ATM-related conditions. This variant is not present in population databases (gnomAD no frequency). This sequence change replaces leucine, which is neutral and non-polar, with arginine, which is basic and polar, at codon 1794 of the ATM protein (p.Leu1794Arg).